The following is an entry in ClinVar:

NM_003998.4(NFKB1):c.19T>C (p.Tyr7His)

Gene: NFKB1 (nuclear factor kappa B subunit 1; plus strand). Cytogenetic location: 4q24.
Variant type: single nucleotide variant.
Coding change: c.19T>C on transcript NM_003998.4 (MANE Select); coding-DNA position 19, T replaced by C.
Protein change: p.Tyr7His; replaces tyrosine 7 with histidine.
Molecular consequence: missense variant. On other transcripts: intron variant (1).
Genome position (GRCh38, 1-based): chr4:102,525,537, T>C. VCF-style: chr4-102525537-T-C. GRCh37 (hg19) VCF-style: chr4-103446694-T-C.
Other names: c.19T>C, p.Tyr7His (NM_001165412.2, NM_001319226.2, NM_001382625.1 and 2 more transcripts); c.1-4299T>C (NM_001382628.1); short protein forms Y7H.
Identifiers: ClinVar variation 1991942 (VCV001991942.4), dbSNP rs764715465, ClinGen allele CA3025773.

ClinVar aggregate classification (germline): Uncertain significance (1 of 4 stars; one submission).

Allele frequency attached by ClinVar (database versions not stated): gnomAD exomes 0.00001; ExAC 0.00002.
gnomAD v4.1: 11 of 1,613,468 alleles (0.00068%); highest among the groups gnomAD compares: South Asian, 0.012%; 1 homozygote.

Submission:

Labcorp Genetics (formerly Invitae), Labcorp
Classification: Uncertain significance. Last evaluated: 2022-06-09. Review status: criteria provided, single submitter. Criteria: Invitae Variant Classification Sherloc (09022015). Collection method: clinical testing. Allele origin: germline.
Comment: This variant has not been reported in the literature in individuals affected with NFKB1-related conditions. This variant is present in population databases (rs764715465, gnomAD 0.02%). This sequence change replaces tyrosine, which is neutral and polar, with histidine, which is basic and polar, at codon 7 of the NFKB1 protein (p.Tyr7His). Algorithms developed to predict the effect of missense changes on protein structure and function are either unavailable or do not agree on the potential impact of this missense change (SIFT: "Deleterious"; PolyPhen-2: "Probably Damaging"; Align-GVGD: "Class C0"). In summary, the available evidence is currently insufficient to determine the role of this variant in disease. Therefore, it has been classified as a Variant of Uncertain Significance.